The following is an entry in ClinVar:

ClinVar aggregate classification (germline): Likely benign. Review status: reviewed by expert panel (3 of 4 stars). 9 submissions from 9 submitters: Likely benign (1). 8 of the submissions do not count toward it. Last evaluated 2017-06-29.

Conditions:
Hereditary breast ovarian cancer syndrome. Also called: Hereditary breast and ovarian cancer syndrome; Hereditary breast and ovarian cancer syndrome (HBOC); BRCA1- and BRCA2-Associated Hereditary Breast and Ovarian Cancer; Breast and ovarian cancer; Hereditary breast and ovarian cancer; Hereditary breast and/or ovarian cancer syndrome. Identifiers: Orphanet 145, MedGen C0677776, MeSH D061325, MONDO:0003582. Disease mechanism: loss of function.
Breast and/or ovarian cancer. Identifiers: MedGen CN221562.
Hereditary cancer-predisposing syndrome. Also called: Hereditary Cancer Syndrome; Hereditary neoplastic syndrome; Tumor predisposition; Neoplastic Syndromes, Hereditary. Identifiers: Orphanet 140162, MedGen C0027672, MeSH D009386, MONDO:0015356.
Breast-ovarian cancer, familial, susceptibility to, 1 (BROVCA1). Also called: OVARIAN CANCER, SUSCEPTIBILITY TO; BRCA1 Hereditary Breast and Ovarian Cancer. Identifiers: Orphanet 145, MedGen C2676676, MONDO:0011450, OMIM 604370. Disease mechanism: loss of function.

Allele frequency attached by ClinVar (database versions not stated): gnomAD exomes below 0.00001; TOPMed below 0.00001.
gnomAD v4.1: 6 of 1,613,792 alleles (0.00037%); highest among the groups gnomAD compares: Non-Finnish European, 0.00051%; no homozygotes.

Submissions (9):

Evidence-based Network for the Interpretation of Germline Mutant Alleles (ENIGMA)
Classification: Likely benign for Breast-ovarian cancer, familial, susceptibility to, 1. Last evaluated: 2017-06-29. Review status: reviewed by expert panel. Criteria: ENIGMA BRCA1/2 Classification Criteria (2017-06-29). Collection method: curation. Allele origin: germline.
Comment: Synonymous substitution variant, with low bioinformatic likelihood to result in a splicing aberration (Splicing prior probability 0.02).

Labcorp Genetics (formerly Invitae), Labcorp
Classification: Likely benign for Hereditary breast ovarian cancer syndrome. Last evaluated: 2025-10-01. Review status: criteria provided, single submitter. Criteria: Invitae Variant Classification Sherloc (09022015). Collection method: clinical testing. Allele origin: germline. Not counted in ClinVar's aggregate classification.

CHEO Genetics Diagnostic Laboratory, Children's Hospital of Eastern Ontario
Classification: Likely benign for Breast and/or ovarian cancer. Last evaluated: 2023-06-05. Review status: criteria provided, single submitter. Criteria: ACMG Guidelines, 2015. Collection method: clinical testing. Allele origin: germline. Study: Canadian Open Genetics Repository. Not counted in ClinVar's aggregate classification.

All of Us Research Program, National Institutes of Health
Classification: Likely benign for Breast-ovarian cancer, familial, susceptibility to, 1. Last evaluated: 2023-05-31. Review status: criteria provided, single submitter. Criteria: ACMG Guidelines, 2015. Collection method: clinical testing. Allele origin: germline. Inheritance: Autosomal dominant inheritance. Observed: 2 variant alleles, 2 heterozygotes. Not counted in ClinVar's aggregate classification.
Comment: This study involves interpretation of variants in research participants for the purpose of population health screening. Participant phenotype was not available at the time of variant classification. Additional details can be found in publication PMID: 35346344, PMCID: PMC8962531

Blueprint Genetics
Classification: Likely benign. Last evaluated: 2022-06-27. Review status: criteria provided, single submitter. Criteria: ACMG Guidelines, 2015. Collection method: clinical testing. Allele origin: germline. Not counted in ClinVar's aggregate classification.

GeneDx
Classification: Likely benign. Last evaluated: 2021-03-22. Review status: criteria provided, single submitter. Criteria: GeneDx Variant Classification Process June 2021. Collection method: clinical testing. Allele origin: germline. Affected: yes. Not counted in ClinVar's aggregate classification.

Quest Diagnostics Nichols Institute San Juan Capistrano
Classification: Likely benign. Last evaluated: 2017-06-02. Review status: criteria provided, single submitter. Criteria: Quest Diagnostics criteria. Collection method: clinical testing. Allele origin: germline. Not counted in ClinVar's aggregate classification.

Color Diagnostics, LLC DBA Color Health
Classification: Likely benign for Hereditary cancer-predisposing syndrome. Last evaluated: 2016-08-30. Review status: criteria provided, single submitter. Criteria: ACMG Guidelines, 2015. Collection method: clinical testing. Allele origin: germline. Not counted in ClinVar's aggregate classification.

Ambry Genetics
Classification: Likely benign for Hereditary cancer-predisposing syndrome. Last evaluated: 2016-02-18. Review status: criteria provided, single submitter. Criteria: Ambry Variant Classification Scheme 2023. Collection method: clinical testing. Allele origin: germline. Not counted in ClinVar's aggregate classification.

Literature cited by the submitters: PubMed 16267036 (cited by Quest Diagnostics Nichols Institute San Juan Capistrano).

NM_007294.4(BRCA1):c.3093T>A (p.Ile1031=)

Gene: BRCA1 (BRCA1 DNA repair associated; minus strand). Cytogenetic location: 17q21.31.
Variant type: single nucleotide variant.
Coding change: c.3093T>A on transcript NM_007294.4 (MANE Select); coding-DNA position 3093, T replaced by A.
Protein change: p.Ile1031=; no amino-acid change (isoleucine 1031 retained).
Molecular consequence: synonymous variant. On other transcripts: intron variant (137).
Genome position (GRCh38, 1-based): chr17:43,092,438, A>T on the plus strand (T>A on the coding strand, the complement: BRCA1 is on the minus strand). VCF-style: chr17-43092438-A-T. GRCh37 (hg19) VCF-style: chr17-41244455-A-T.
Other names: c.2880T>A, p.Ile960= (NM_001407571.1, NM_001407853.1, NM_001407894.1 and 9 more transcripts); c.3093T>A, p.Ile1031= (NM_001407581.1, NM_001407582.1, NM_001407583.1 and 30 more transcripts); c.3090T>A, p.Ile1030= (NM_001407587.1, NM_001407590.1, NM_001407591.1 and 22 more transcripts); c.3084T>A, p.Ile1028= (NM_001407646.1, NM_001407647.1); c.2970T>A, p.Ile990= (NM_001407648.1, NM_001407664.1, NM_001407665.1 and 19 more transcripts); c.2967T>A, p.Ile989= (NM_001407649.1, NM_001407670.1, NM_001407671.1 and 11 more transcripts); c.3015T>A, p.Ile1005= (NM_001407653.1, NM_001407654.1, NM_001407655.1 and 4 more transcripts); c.3012T>A, p.Ile1004= (NM_001407659.1, NM_001407660.1, NM_001407661.1 and 1 more transcripts); and 41 more.
Identifiers: ClinVar variation 188410 (VCV000188410.35), dbSNP rs786204265, ClinGen allele CA002026.